The following is an entry in ClinVar:

NM_001330360.2(POLA1):c.4079_4080delinsTT (p.Arg1360Leu)

Gene: POLA1 (DNA polymerase alpha 1, catalytic subunit; plus strand). Cytogenetic location: Xp22.11.
Variant type: Indel.
Coding change: c.4079_4080delinsTT on transcript NM_001330360.2 (MANE Select); coding-DNA positions 4079 to 4080, GC replaced by TT.
Protein change: p.Arg1360Leu; replaces arginine 1360 with leucine.
Molecular consequence: missense variant. On other transcripts: non-coding transcript variant (2).
Genome position (GRCh38, 1-based): chrX:24,888,037-24,888,038, GC replaced by TT. VCF-style: chrX-24888037-GC-TT. GRCh37 (hg19) VCF-style: chrX-24906154-GC-TT.
Other names: c.4004_4005delinsTT, p.Arg1335Leu (NM_001378303.1); c.4079_4080delinsTT, p.Arg1360Leu (NM_001440806.1); c.4061_4062delinsTT, p.Arg1354Leu (NM_016937.4); short protein forms R1335L, R1354L, R1360L.
Identifiers: ClinVar variation 4086392 (VCV004086392.1).

ClinVar aggregate classification (germline): Uncertain significance (1 of 4 stars; one submission).

Submission:

GeneDx
Classification: Uncertain significance. Last evaluated: 2025-03-20. Review status: criteria provided, single submitter. Criteria: GeneDx Variant Classification Process June 2021. Collection method: clinical testing. Allele origin: germline. Affected: yes.
Comment: Not observed at significant frequency in large population cohorts (gnomAD); In silico analysis indicates that this variant does not alter protein structure/function; Has not been previously published as pathogenic or benign to our knowledge